The following is an entry in ClinVar:

ClinVar aggregate classification (germline): Likely pathogenic (1 of 4 stars; one submission).

Submission:

GeneDx
Classification: Likely pathogenic. Last evaluated: 2015-11-12. Review status: criteria provided, single submitter. Criteria: GeneDx Variant Classification (06012015). Collection method: clinical testing. Allele origin: germline. Affected: yes.
Comment: The c.70569delC variant in the TTN gene has not been reported previously as a pathogenic variant or as a benign variant, to our knowledge. This variant was not observed in approximately 6,000 individuals of European and African American ancestry in the NHLBI Exome Sequencing Project, indicating it is not a common benign variant in these populations. The c.70569delC variant causes a shift in reading frame starting at codon Phenylalanine 23524, changing it to a Leucine, and creating a premature stop codon at position 7 of the new reading frame, denoted p.Phe23524LeufsX7. This variant is expected to result in either an abnormal, truncated protein product or loss of protein from this allele through nonsense-mediated mRNA decay. Other truncating TTN variants have been reported in approximately 3% of control alleles (Herman et al., 2012). However, c.70569delC is located in the A-band region of titin, where the majority of truncating pathogenic variants associated with DCM have been reported (Herman et al., 2012). In addition, multiple other downstream truncating variants in the TTN gene have been reported in HGMD in association with cardiomyopathy and muscular dystrophy (Stenson et al., 2014).

NM_001267550.2(TTN):c.75492del (p.Phe25165fs)

Genes: TTN (titin; minus strand), TTN-AS1 (TTN antisense RNA 1; plus strand). Cytogenetic location: 2q31.2.
Variant type: Deletion.
Coding change: c.75492del on transcript NM_001267550.2 (MANE Select); coding-DNA position 75492, one base deleted (C; older notation c.75492delC).
Protein change: p.Phe25165fs; shifts the reading frame from phenylalanine 25165.
Molecular consequence: frameshift variant.
Genome position (GRCh38, 1-based): chr2:178,570,640, G deleted on the plus strand (C on the coding strand, the reverse complement: TTN is on the minus strand). VCF-style (leftmost placement, unchanged base first): chr2-178570639-AG-A. GRCh37 (hg19) VCF-style: chr2-179435366-AG-A.
Other names: c.70569del, p.Phe23524fs (NM_001256850.1); c.48297del, p.Phe16100fs (NM_003319.4); c.67788del, p.Phe22597fs (NM_133378.4); c.48672del, p.Phe16225fs (NM_133432.3); c.48873del, p.Phe16292fs (NM_133437.4); c.70569delC (NM_001256850.1); short protein forms F16225fs, F22597fs, F25165fs, F16100fs, F16292fs, F23524fs.
Identifiers: ClinVar variation 372706 (VCV000372706.2), dbSNP rs1057517937, ClinGen allele CA16042365.